The following is an entry in ClinVar:

NM_004530.6(MMP2):c.*170G>A

Gene: MMP2 (matrix metallopeptidase 2; plus strand). Cytogenetic location: 16q12.2.
Variant type: single nucleotide variant.
Coding change: c.*170G>A on transcript NM_004530.6 (MANE Select); 170 bases downstream of the stop codon, G replaced by A.
Molecular consequence: 3 prime UTR variant.
Genome position (GRCh38, 1-based): chr16:55,505,612, G>A. VCF-style: chr16-55505612-G-A. GRCh37 (hg19) VCF-style: chr16-55539524-G-A.
Other names: c.*170G>A (NM_001127891.3, NM_001302508.1, NM_001302509.2 and 1 more transcripts).
Identifiers: ClinVar variation 319773 (VCV000319773.5), dbSNP rs41280909, ClinGen allele CA10638019.

ClinVar aggregate classification (germline): Benign (1 of 4 stars; one submission).

Conditions:
Multicentric osteolysis nodulosis arthropathy spectrum. Identifiers: Orphanet 3460, Orphanet 371428, MedGen C1850155, MONDO:0018298.

Allele frequency attached by ClinVar (database versions not stated): gnomAD 0.01010 and 0.01029; TOPMed 0.01035; 1000 Genomes Project 0.01078; 1000 Genomes Project 30x 0.01109.

Submission:

Illumina Laboratory Services, Illumina
Classification: Benign for Multicentric osteolysis, nodulosis, and arthropathy. Last evaluated: 2018-01-13. Review status: criteria provided, single submitter. Criteria: ICSL Variant Classification Criteria 13 December 2019. Collection method: clinical testing. Allele origin: germline.
Comment: This variant was observed in the ICSL laboratory as part of a predisposition screen in an ostensibly healthy population. It had not been previously curated by ICSL or reported in the Human Gene Mutation Database (HGMD: prior to June 1st, 2018), and was therefore a candidate for classification through an automated scoring system. Utilizing variant allele frequency, disease prevalence and penetrance estimates, and inheritance mode, an automated score was calculated to assess if this variant is too frequent to cause the disease. Based on the score and internal cut-off values, a variant classified as benign is not then subjected to further curation. The score for this variant resulted in a classification of benign for this disease.